The following is an entry in ClinVar:

NM_004820.5(CYP7B1):c.418C>T (p.Leu140Phe)

Gene: CYP7B1 (cytochrome P450 family 7 subfamily B member 1; minus strand). Cytogenetic location: 8q12.3.
Variant type: single nucleotide variant.
Coding change: c.418C>T on transcript NM_004820.5 (MANE Select); coding-DNA position 418, C replaced by T.
Protein change: p.Leu140Phe; replaces leucine 140 with phenylalanine.
Molecular consequence: missense variant.
Genome position (GRCh38, 1-based): chr8:64,616,123, G>A on the plus strand (C>T on the coding strand, the complement: CYP7B1 is on the minus strand). VCF-style: chr8-64616123-G-A. GRCh37 (hg19) VCF-style: chr8-65528680-G-A.
Other names: c.418C>T, p.Leu140Phe (NM_001324112.2); short protein forms L140F.
Identifiers: ClinVar variation 1981676 (VCV001981676.1), dbSNP rs1178071886, ClinGen allele CA371335798.

ClinVar aggregate classification (germline): Uncertain significance (1 of 4 stars; one submission).

Conditions:
Spastic paraplegia. Identifiers: MedGen C0037772, HP:0001258.

Allele frequency attached by ClinVar (database versions not stated): gnomAD exomes below 0.00001.
gnomAD v4.1: 2 of 1,613,640 alleles (0.00012%); highest among the groups gnomAD compares: East Asian, 0.0022%; no homozygotes.

Submission:

Labcorp Genetics (formerly Invitae), Labcorp
Classification: Uncertain significance for Spastic paraplegia. Last evaluated: 2022-03-20. Review status: criteria provided, single submitter. Criteria: Invitae Variant Classification Sherloc (09022015). Collection method: clinical testing. Allele origin: germline.
Comment: This sequence change replaces leucine, which is neutral and non-polar, with phenylalanine, which is neutral and non-polar, at codon 140 of the CYP7B1 protein (p.Leu140Phe). This variant is present in population databases (no rsID available, gnomAD 0.006%). This variant has not been reported in the literature in individuals affected with CYP7B1-related conditions. Algorithms developed to predict the effect of missense changes on protein structure and function (SIFT, PolyPhen-2, Align-GVGD) all suggest that this variant is likely to be tolerated. In summary, the available evidence is currently insufficient to determine the role of this variant in disease. Therefore, it has been classified as a Variant of Uncertain Significance.